The following is an entry in ClinVar:

NC_000016.10:g.5071942G>A

Gene: ALG1 (ALG1 chitobiosyldiphosphodolichol beta-mannosyltransferase; plus strand). Cytogenetic location: 16p13.3.
Variant type: single nucleotide variant.
Genome position: GRCh38 VCF-style: chr16-5071942-G-A. GRCh37 (hg19) VCF-style: chr16-5121943-G-A.
Identifiers: ClinVar variation 510533 (VCV000510533.1), dbSNP rs1555450976, ClinGen allele CA493408804.
Genomic context (GRCh38, chr16:5,071,942, plus strand): 5'-GTGTCTGCTGCTGCCGCTGCTGCTGCTGGGAGGATGGAAGCGCTGGCGCCGGGGGCGGGC[G>A]GCCCGGCATGTAGTAGCGGTGGTGCTGGGCGACGTGGGCCGCAGCCCCCGTATGCAGTAC-3'

ClinVar aggregate classification (germline): Likely benign (1 of 4 stars; one submission).

Submission:

GeneDx
Classification: Likely benign. Last evaluated: 2017-07-07. Review status: criteria provided, single submitter. Criteria: GeneDx Variant Classification (06012015). Collection method: clinical testing. Allele origin: germline. Affected: yes.
Comment: This variant is considered likely benign or benign based on one or more of the following criteria: it is a conservative change, it occurs at a poorly conserved position in the protein, it is predicted to be benign by multiple in silico algorithms, and/or has population frequency not consistent with disease.